The following is an entry in ClinVar:

NM_194248.3(OTOF):c.5308C>T (p.Gln1770Ter)

Gene: OTOF (otoferlin; minus strand). Cytogenetic location: 2p23.3.
Variant type: single nucleotide variant.
Coding change: c.5308C>T on transcript NM_194248.3 (MANE Select); coding-DNA position 5308, C replaced by T.
Protein change: p.Gln1770Ter; replaces glutamine 1770 with a stop codon.
Molecular consequence: nonsense.
Genome position (GRCh38, 1-based): chr2:26,461,921, G>A on the plus strand (C>T on the coding strand, the complement: OTOF is on the minus strand). VCF-style: chr2-26461921-G-A. GRCh37 (hg19) VCF-style: chr2-26684789-G-A.
Other names: c.5308C>T, p.Gln1770Ter (NM_001287489.2); c.3007C>T, p.Gln1003Ter (NM_004802.4, NM_194323.3); c.3238C>T, p.Gln1080Ter (NM_194322.3); short protein forms Q1080*, Q1770*, Q1003*.
Identifiers: ClinVar variation 2755075 (VCV002755075.3), dbSNP rs2465498866, ClinGen allele CA346131810.

ClinVar aggregate classification (germline): Pathogenic (1 of 4 stars; one submission).

Submission:

Labcorp Genetics (formerly Invitae), Labcorp
Classification: Pathogenic. Last evaluated: 2023-08-25. Review status: criteria provided, single submitter. Criteria: Invitae Variant Classification Sherloc (09022015). Collection method: clinical testing. Allele origin: germline.
Comment: For these reasons, this variant has been classified as Pathogenic. This variant has not been reported in the literature in individuals affected with OTOF-related conditions. This variant is not present in population databases (gnomAD no frequency). This sequence change creates a premature translational stop signal (p.Gln1770*) in the OTOF gene. It is expected to result in an absent or disrupted protein product. Loss-of-function variants in OTOF are known to be pathogenic (PMID: 18381613, 19250381, 22575033).

Literature cited by the submitters: PubMed 18381613; PubMed 19250381; PubMed 22575033.